The following is an entry in ClinVar:

NM_001366521.1(ATP2B1):c.1370_1373del (p.Val457fs)

Gene: ATP2B1 (ATPase plasma membrane Ca2+ transporting 1; minus strand). Cytogenetic location: 12q21.33.
Variant type: Deletion.
Coding change: c.1370_1373del on transcript NM_001366521.1 (MANE Select); coding-DNA positions 1370 to 1373, 4 bases deleted (TAAG; older notation c.1370_1373delTAAG).
Protein change: p.Val457fs; shifts the reading frame from valine 457.
Molecular consequence: frameshift variant.
Genome position (GRCh38, 1-based): chr12:89,621,763-89,621,766, CTTA deleted on the plus strand (TAAG on the coding strand, the reverse complement: ATP2B1 is on the minus strand); deleting any 4 consecutive bases within chr12:89,621,763-89,621,768 gives the same sequence; the c. name uses the placement nearest the transcript's 3' end. VCF-style (leftmost placement, unchanged base first): chr12-89621762-CCTTA-C. GRCh37 (hg19) VCF-style: chr12-90015539-CCTTA-C.
Other names: c.1370_1373del, p.Val457fs (NM_001001323.2, NM_001366520.1, NM_001366522.1 and 8 more transcripts); c.1172_1175del, p.Val391fs (NM_001366530.1); c.809_812del, p.Val270fs (NM_001366531.1, NM_001366532.1); c.1368_1371delAGTA, p.Val457Glyfs (NM_001413046.1, NM_001413047.1, NM_001413049.1 and 1 more transcripts); c.1329_1332delAGTA, p.Val444Glyfs (NM_001413048.1); c.1227_1230delAGTA, p.Val410Glyfs (NM_001413051.1, NM_001413052.1, NM_001413055.1); c.1170_1173delAGTA, p.Val391Glyfs (NM_001413053.1); c.1113_1116delAGTA, p.Val372Glyfs (NM_001413056.1); and 4 more; short protein forms V270fs, V391fs, V457fs.
Identifiers: ClinVar variation 2112721 (VCV002112721.7), dbSNP rs1879993574, ClinGen allele CA2053633421.
Genomic context (GRCh38, chr12:89,621,762, plus strand): 5'-TCCTGTTTTATCTGAACAAATAGCTGTAGCATTTCCCATGGTTTCACAAGCATCCAGATG[CCTTA>C]CTAAGTTATTATCTTTCATCATTTTCTACAGTGACCAAAAAAAAAAAACTAGTTAAGCTG-3'

ClinVar aggregate classification (germline): Pathogenic. Review status: criteria provided, multiple submitters, no conflicts (2 of 4 stars). 3 submissions from 3 submitters: Pathogenic (3). Last evaluated 2026-02-26.

Conditions:
Inborn genetic diseases. Identifiers: MedGen C0950123, MeSH D030342.

Submissions (3):

Ambry Genetics
Classification: Pathogenic for Inborn genetic diseases. Last evaluated: 2026-02-26. Review status: criteria provided, single submitter. Criteria: Ambry Variant Classification Scheme 2023. Collection method: clinical testing. Allele origin: germline.
Comment: The c.1370_1373delTAAG (p.V457Gfs*23) alteration, located in coding exon 9 of the ATP2B1 gene, consists of a deletion of 4 nucleotides from position 1370 to 1373, causing a translational frameshift with a predicted alternate stop codon after 23 amino acids. This alteration is expected to result in loss of function by premature protein truncation or nonsense-mediated mRNA decay. This variant was not reported in population-based cohorts in the Genome Aggregation Database (gnomAD). Based on the available evidence, this alteration is classified as pathogenic.

GeneDx
Classification: Pathogenic. Last evaluated: 2025-12-07. Review status: criteria provided, single submitter. Criteria: GeneDx Variant Classification Process June 2021. Collection method: clinical testing. Allele origin: germline.
Comment: Frameshift variant predicted to result in protein truncation or nonsense mediated decay in a gene for which loss of function is a known mechanism of disease; Not observed at significant frequency in large population cohorts (gnomAD); Has not been previously published as pathogenic or benign to our knowledge

Labcorp Genetics (formerly Invitae), Labcorp
Classification: Pathogenic. Last evaluated: 2022-09-17. Review status: criteria provided, single submitter. Criteria: Invitae Variant Classification Sherloc (09022015). Collection method: clinical testing. Allele origin: germline.
Comment: For these reasons, this variant has been classified as Pathogenic. This variant has not been reported in the literature in individuals affected with ATP2B1-related conditions. This variant is not present in population databases (gnomAD no frequency). This sequence change creates a premature translational stop signal (p.Val457Glyfs*23) in the ATP2B1 gene. It is expected to result in an absent or disrupted protein product. Loss-of-function variants in ATP2B1 are known to be pathogenic (PMID: 35358416).

Literature cited by the submitters: PubMed 35358416 (cited by Labcorp Genetics (formerly Invitae), Labcorp).